The following is an entry in ClinVar:

NM_005612.5(REST):c.2318A>G (p.Gln773Arg)

Gene: REST (RE1 silencing transcription factor; plus strand). Cytogenetic location: 4q12.
Variant type: single nucleotide variant.
Coding change: c.2318A>G on transcript NM_005612.5 (MANE Select); coding-DNA position 2318, A replaced by G.
Protein change: p.Gln773Arg; replaces glutamine 773 with arginine.
Molecular consequence: missense variant.
Genome position (GRCh38, 1-based): chr4:56,931,176, A>G. VCF-style: chr4-56931176-A-G. GRCh37 (hg19) VCF-style: chr4-57797342-A-G.
Other names: c.2318A>G, p.Gln773Arg (NM_001193508.2, NM_001363453.3); short protein forms Q773R.
Identifiers: ClinVar variation 1023622 (VCV001023622.46), dbSNP rs199816806, ClinGen allele CA2932455.
Genomic context (GRCh38, chr4:56,931,176, plus strand): 5'-TGGAGGTGGTCCAGAAGGAACCTGTTAAGATAGAGCTGTCTCCTCCCATAGAGGTGGTCC[A>G]GAAGGAGCCTGTTCAGATGGAGTTGTCTCCTCCCATGGGGGTGGTTCAGAAGGAGCCTGC-3'
Protein context (NP_005603.3, residues 763-783): IELSPPIEVV[Gln773Arg]KEPVQMELSP

ClinVar aggregate classification (germline): Conflicting classifications of pathogenicity. Review status: criteria provided, conflicting classifications (1 of 4 stars). 5 submissions from 5 submitters: Uncertain significance (4); Likely benign (1). Last evaluated 2025-04-08.

Conditions:
REST-related disorder. Also called: REST-related condition.
Inborn genetic diseases. Identifiers: MedGen C0950123, MeSH D030342.

Allele frequency attached by ClinVar (database versions not stated): gnomAD 0.00004 and 0.00005; TOPMed 0.00007; ESP Exome Variant Server 0.00008; gnomAD exomes 0.00009 and 0.00010; ExAC 0.00011.
gnomAD v4.1: 147 of 1,613,756 alleles (0.0091%); highest among the groups gnomAD compares: Middle Eastern, 0.017%; 1 homozygote.

Submissions (5):

Labcorp Genetics (formerly Invitae), Labcorp
Classification: Uncertain significance. Last evaluated: 2025-04-08. Review status: criteria provided, single submitter. Criteria: Invitae Variant Classification Sherloc (09022015). Collection method: clinical testing. Allele origin: germline.
Comment: This sequence change replaces glutamine, which is neutral and polar, with arginine, which is basic and polar, at codon 773 of the REST protein (p.Gln773Arg). This variant is present in population databases (rs199816806, gnomAD 0.02%), including at least one homozygous and/or hemizygous individual. This variant has not been reported in the literature in individuals affected with REST-related conditions. ClinVar contains an entry for this variant (Variation ID: 1023622). An algorithm developed to predict the effect of missense changes on protein structure and function (PolyPhen-2) suggests that this variant is likely to be tolerated. In summary, the available evidence is currently insufficient to determine the role of this variant in disease. Therefore, it has been classified as a Variant of Uncertain Significance.

PreventionGenetics, part of Exact Sciences
Classification: Uncertain significance for REST-related condition. Last evaluated: 2024-11-25. Review status: criteria provided, single submitter. Criteria: ACMG Guidelines, 2015. Collection method: clinical testing. Allele origin: germline.
Comment: The REST c.2318A>G variant is predicted to result in the amino acid substitution p.Gln773Arg. To our knowledge, this variant has not been reported in the literature. This variant is reported in 0.018% of alleles in individuals of European (Non-Finnish) descent in gnomAD, including one homozygote. Although we suspect that this variant may be benign, at this time, the clinical significance of this variant is uncertain due to the absence of conclusive functional and genetic evidence.

Ambry Genetics
Classification: Uncertain significance for Inborn genetic diseases. Last evaluated: 2024-09-02. Review status: criteria provided, single submitter. Criteria: Ambry Variant Classification Scheme 2023. Collection method: clinical testing. Allele origin: germline.

GeneDx
Classification: Uncertain significance. Last evaluated: 2022-06-21. Review status: criteria provided, single submitter. Criteria: GeneDx Variant Classification Process June 2021. Collection method: clinical testing. Allele origin: germline. Affected: yes.
Comment: In silico analysis supports that this missense variant does not alter protein structure/function; Has not been previously published as pathogenic or benign to our knowledge

CeGaT Center for Human Genetics Tuebingen
Classification: Likely benign. Last evaluated: 2021-10-01. Review status: criteria provided, single submitter. Criteria: CeGaT Center For Human Genetics Tuebingen Variant Classification Criteria Version 2. Collection method: clinical testing. Allele origin: germline. Affected: yes. Observed: 1 variant allele.